The following is an entry in ClinVar:

ClinVar aggregate classification (germline): Uncertain significance (1 of 4 stars; one submission).

Conditions:
Hereditary cancer-predisposing syndrome. Also called: Neoplastic Syndromes, Hereditary; Hereditary Cancer Syndrome; Tumor predisposition; Hereditary neoplastic syndrome. Identifiers: Orphanet 140162, MedGen C0027672, MeSH D009386, MONDO:0015356.

Submission:

Ambry Genetics
Classification: Uncertain significance for Hereditary cancer-predisposing syndrome. Last evaluated: 2025-01-30. Review status: criteria provided, single submitter. Criteria: Ambry Variant Classification Scheme 2023. Collection method: clinical testing. Allele origin: germline.
Comment: The p.F1068L variant (also known as c.3204T>G), located in coding exon 21 of the ATM gene, results from a T to G substitution at nucleotide position 3204. The phenylalanine at codon 1068 is replaced by leucine, an amino acid with highly similar properties. This amino acid position is conserved. In addition, this alteration is predicted to be tolerated by in silico analysis. Based on the available evidence, the clinical significance of this variant remains unclear.

NM_000051.4(ATM):c.3204T>G (p.Phe1068Leu)

Gene: ATM (ATM serine/threonine kinase; plus strand). Cytogenetic location: 11q22.3.
Variant type: single nucleotide variant.
Coding change: c.3204T>G on transcript NM_000051.4 (MANE Select); coding-DNA position 3204, T replaced by G.
Protein change: p.Phe1068Leu; replaces phenylalanine 1068 with leucine.
Molecular consequence: missense variant.
Genome position (GRCh38, 1-based): chr11:108,272,772, T>G. VCF-style: chr11-108272772-T-G. GRCh37 (hg19) VCF-style: chr11-108143499-T-G.
Other names: c.3204T>G, p.Phe1068Leu (NM_001351834.2); short protein forms F1068L.
Identifiers: ClinVar variation 3802296 (VCV003802296.1).